The following is an entry in ClinVar:

NM_001134363.3(RBM20):c.*999A>G

Gene: RBM20 (RNA binding motif protein 20; plus strand). Cytogenetic location: 10q25.2.
Variant type: single nucleotide variant.
Coding change: c.*999A>G on transcript NM_001134363.3 (MANE Select); 999 bases downstream of the stop codon, A replaced by G.
Molecular consequence: 3 prime UTR variant.
Genome position (GRCh38, 1-based): chr10:110,836,977, A>G. VCF-style: chr10-110836977-A-G. GRCh37 (hg19) VCF-style: chr10-112596735-A-G.
Other names: c.*999A>G (LRG_382t1).
Identifiers: ClinVar variation 298824 (VCV000298824.36), dbSNP rs138114979, ClinGen allele CA10634611.

ClinVar aggregate classification (germline): Conflicting classifications of pathogenicity. Review status: criteria provided, conflicting classifications (1 of 4 stars). 3 submissions from 3 submitters: Uncertain significance (2); Benign (1). Last evaluated 2022-09-01.

Conditions:
Dilated cardiomyopathy 1DD (CMD1DD). Identifiers: Orphanet 154, MedGen C2750995, MONDO:0013168, OMIM 613172.

Allele frequency attached by ClinVar (database versions not stated): 1000 Genomes Project 30x 0.00156; 1000 Genomes Project 0.00160; TOPMed 0.00198; gnomAD 0.00234.

Submissions (3):

CeGaT Center for Human Genetics Tuebingen
Classification: Benign. Last evaluated: 2022-09-01. Review status: criteria provided, single submitter. Criteria: CeGaT Center For Human Genetics Tuebingen Variant Classification Criteria Version 2. Collection method: clinical testing. Allele origin: germline. Affected: yes. Observed: 4 variant alleles.
Comment: RBM20: BS1, BS2

Illumina Laboratory Services, Illumina
Classification: Uncertain significance for Dilated cardiomyopathy 1DD. Last evaluated: 2018-01-13. Review status: criteria provided, single submitter. Criteria: ICSL Variant Classification Criteria 13 December 2019. Collection method: clinical testing. Allele origin: germline.

Breakthrough Genomics
Classification: Uncertain significance. Review status: criteria provided, single submitter. Criteria: ACMG Guidelines, 2015. Collection method: not provided. Allele origin: germline. Inheritance: Autosomal dominant inheritance. Affected: yes.